The following is an entry in ClinVar:

ClinVar aggregate classification (germline): Pathogenic. Review status: criteria provided, multiple submitters, no conflicts (2 of 4 stars). 14 submissions from 14 submitters: Pathogenic (13). 1 of the submissions does not count toward it. Last evaluated 2026-06-01.

Conditions:
SURF1-related disorder. Also called: SURF1-related condition.
Leigh syndrome (NULS). Also called: Leigh Disease; Subacute necrotizing encephalopathy; Necrotizing encephalopathy infantile subacute of Leigh; Leigh's syndrome; LEIGH SYNDROME, NUCLEAR; Leigh Syndrome (mtDNA deletion). Identifiers: Orphanet 506, MedGen C2931891, MONDO:0009723, OMIM 256000.
Mitochondrial complex IV deficiency, nuclear type 1 (MC4DN1). Also called: Mitochondrial complex IV deficiency; Complex 4 mitochondrial respiratory chain deficiency; Deficiency of mitochondrial respiratory chain complex4; Complex IV deficiency; COX DEFICIENCY. Identifiers: MedGen C5435656, MONDO:0700250, OMIM 220110. Disease mechanism: loss of function.
Charcot-Marie-Tooth disease type 4K. Also called: CHARCOT-MARIE-TOOTH DISEASE, DEMYELINATING, AUTOSOMAL RECESSIVE, TYPE 4K; CHARCOT-MARIE-TOOTH NEUROPATHY, DEMYELINATING, AUTOSOMAL RECESSIVE, TYPE 4K; CHARCOT-MARIE-TOOTH DISEASE, DEMYELINATING, TYPE 4K. Identifiers: Orphanet 391351, MedGen C4225246, MONDO:0014733, OMIM 616684.

Submissions (14):

CeGaT Center for Human Genetics Tuebingen
Classification: Pathogenic. Last evaluated: 2026-06-01. Review status: criteria provided, single submitter. Criteria: CeGaT Center For Human Genetics Tuebingen Variant Classification Criteria Version 2. Collection method: clinical testing. Allele origin: germline. Affected: yes. Observed: 5 variant alleles.
Comment: SURF1: PM3:Very Strong, PVS1, PM2

PreventionGenetics, part of Exact Sciences
Classification: Pathogenic for SURF1-related condition. Last evaluated: 2026-03-24. Review status: criteria provided, single submitter. Criteria: ACMG Guidelines, 2015. Collection method: clinical testing. Allele origin: germline.
Comment: The SURF1 c.312_321delinsAT variant is predicted to result in premature protein termination (p.Leu105*). This variant has previously been reported to be causative for Leigh syndrome due to cytochrome c oxidase (COX) deficiency (see, for example: Tiranti et al. 1998. PubMed ID: 9837813; Marsy et al. 2008. PubMed ID: 18804471; Martin-Saavedra et al. 2021. PubMed ID: 34052969). This variant has not been reported in a large population database, indicating this variant is rare. Nonsense variants in SURF1 are expected to be pathogenic. This variant is interpreted as pathogenic.

Variantyx, Inc.
Classification: Pathogenic for Mitochondrial complex IV deficiency, nuclear type 1. Last evaluated: 2025-07-17. Review status: criteria provided, single submitter. Criteria: Variantyx Assertion Criteria 2022. Collection method: clinical testing. Allele origin: germline. Inheritance: Autosomal recessive inheritance. Affected: no.
Comment: This is a frameshift variant in the SURF1 gene (OMIM: 185620). Pathogenic variants in this gene have been associated with autosomal recessive mitochondrial complex IV (cytochrome c oxidase) deficiency 1. This variant introduces a premature termination codon in exon 4 out of 9 and is expected to result in loss of function, which is a known disease mechanism for SURF1 in this disorder (PMID: 9837813, 29715184, 18804471, 23829769, 35586607) (PVS1). This variant has been reported in the homozygous or compound heterozygous state in several unrelated affected individuals (PMID: 9837813, 29715184, 18804471, 23829769, 35586607) (PM3) and has a 0.0767% maximum allele frequency in non-founder control populations (PM2). Based on the current evidence, this variant is classified as pathogenic for autosomal recessive mitochondrial complex IV (cytochrome c oxidase) deficiency 1.

Blueprint Genetics
Classification: Pathogenic for SURF1-related disorders. Last evaluated: 2024-11-20. Review status: criteria provided, single submitter. Criteria: ACMG Guidelines, 2015. Collection method: clinical testing. Allele origin: germline. Affected: yes. Observed: 1 variant allele.

Molecular Genetics, Royal Melbourne Hospital
Classification: Pathogenic for Leigh syndrome. Last evaluated: 2024-11-04. Review status: criteria provided, single submitter. Criteria: ACMG Guidelines, 2015. Collection method: clinical testing. Allele origin: germline. Inheritance: Autosomal recessive inheritance.
Comment: Based on the classification scheme RMH Modified ACMG Guidelines v1.7.0, this variant is classified as PATHOGENIC. Following criteria are met: PM3_VeryStrong, PM2_Supporting, PP1, PVS1

Fulgent Genetics
Classification: Pathogenic for Mitochondrial complex IV deficiency, nuclear type 1; Charcot-Marie-Tooth disease type 4K. Last evaluated: 2024-03-01. Review status: criteria provided, single submitter. Criteria: ACMG Guidelines, 2015. Collection method: clinical testing. Allele origin: germline.

Labcorp Genetics (formerly Invitae), Labcorp
Classification: Pathogenic for Leigh syndrome. Last evaluated: 2024-01-25. Review status: criteria provided, single submitter. Criteria: Invitae Variant Classification Sherloc (09022015). Collection method: clinical testing. Allele origin: germline.
Comment: This sequence change creates a premature translational stop signal (p.Leu105*) in the SURF1 gene. It is expected to result in an absent or disrupted protein product. Loss-of-function variants in SURF1 are known to be pathogenic (PMID: 10443880, 22488715, 24027061). Information on the frequency of this variant in the gnomAD database is not available, as this variant may be reported differently in the database. This premature translational stop signal has been observed in individuals with Leigh syndrome (PMID: 9837813, 18804471, 23829769). This variant is also known as c.312_321del10insAT. ClinVar contains an entry for this variant (Variation ID: 215237). For these reasons, this variant has been classified as Pathogenic.

GeneDx
Classification: Pathogenic. Last evaluated: 2021-10-11. Review status: criteria provided, single submitter. Criteria: GeneDx Variant Classification Process June 2021. Collection method: clinical testing. Allele origin: germline. Affected: yes.
Comment: Nonsense variant predicted to result in protein truncation or nonsense mediated decay in a gene for which loss-of-function is a known mechanism of disease; Not observed at significant frequency in large population cohorts (gnomAD); This variant is associated with the following publications: (PMID: 22488715, 26257172, 23829769, 18804471, 29481804, 29715184, 32445240, 9837813)

Revvity Omics, Revvity
Classification: Pathogenic. Last evaluated: 2021-06-10. Review status: criteria provided, single submitter. Criteria: ACMG Guidelines, 2015. Collection method: clinical testing. Allele origin: germline.

Mayo Clinic Laboratories, Mayo Clinic
Classification: Pathogenic. Last evaluated: 2021-04-27. Review status: criteria provided, single submitter. Criteria: ACMG Guidelines, 2015. Collection method: clinical testing. Allele origin: germline.
Comment: PVS1, PS3, PM2, PS4_supporting

Greenwood Genetic Center Diagnostic Laboratories, Greenwood Genetic Center
Classification: Pathogenic. Last evaluated: 2021-03-08. Review status: criteria provided, single submitter. Criteria: ACMG Guidelines, 2015. Collection method: clinical testing. Allele origin: germline. Affected: yes.
Comment: PVS1, PS3

Women's Health and Genetics/Laboratory Corporation of America, LabCorp
Classification: Pathogenic for Leigh syndrome. Last evaluated: 2017-05-15. Review status: criteria provided, single submitter. Criteria: LabCorp Variant Classification Summary - May 2015. Collection method: clinical testing. Allele origin: germline.
Comment: Variant summary: The SURF1 c.312_321delinsAT (p.Leu105Terfs) variant results in a premature termination codon, predicted to cause a truncated or absent SURF1 protein due to nonsense mediated decay, which are commonly known mechanisms for disease. Truncations downstream of this position have been classified as pathogenic by our laboratory (e.g. p.Gln251X, c.758_759delCA, c.845_846delCT, etc.). This variant is absent in 121016 control chromosomes from ExAC. This variant is the most common pathogenic variant in Caucasian Leigh syndrome cohorts (Lee_2012, Wedatilake_2013, Lim_2014). Numerous patients carrying this variant in homozygous state as well as compound heterozygous state with other pathogenic/likely pathogenic variants have been identified, including reports of cosegregation in families carrying this variant. Biochemical enzymatic analysis in patient cells carrying this variant are show impaired enzymatic activity (Tiranti_1998, Lim_2014). In addition, multiple clinical diagnostic laboratories/reputable databases have classified this variant as pathogenic. Taken together, this variant is classified as pathogenic.

Lupski Lab, Baylor-Hopkins CMG, Baylor College of Medicine
Classification: Pathogenic for Leigh syndrome. Last evaluated: 2015-08-18. Review status: criteria provided, single submitter. Criteria: Zhu et al. (Nat Genet. 1998). Collection method: research. Allele origin: germline. Inheritance: Autosomal recessive inheritance. Affected: yes. Observed: 1 variant allele, 1 heterozygote.
Comment: This variant is predicted deleterious according to ACMG guidelines. Parents were not available for segregation; however, given the similarity of the phenotypic presentation to that reported in the literature, it is likely that two variants in SURF1 are causing the phenotype in this individual.

OMIM
Classification: Pathogenic for MITOCHONDRIAL COMPLEX IV DEFICIENCY, NUCLEAR TYPE 1. Last evaluated: 2000-02-01. Review status: no assertion criteria provided. Collection method: literature only. Allele origin: germline. Not counted in ClinVar's aggregate classification.

Literature cited by the submitters: PubMed 9837813 (cited by 4 submitters); PubMed 29715184 (cited by Variantyx, Inc. and Mayo Clinic Laboratories, Mayo Clinic); PubMed 18804471 (cited by Variantyx, Inc. and Labcorp Genetics (formerly Invitae), Labcorp); PubMed 23829769 (cited by 3 submitters); PubMed 35586607 (cited by Variantyx, Inc.); PubMed 10443880 (cited by Labcorp Genetics (formerly Invitae), Labcorp); PubMed 22488715 (cited by 3 submitters); PubMed 24027061 (cited by Labcorp Genetics (formerly Invitae), Labcorp); PubMed 1804471 (cited by Mayo Clinic Laboratories, Mayo Clinic); PubMed 24462369 (cited by Mayo Clinic Laboratories, Mayo Clinic); PubMed 26257172 (cited by Lupski Lab, Baylor-Hopkins CMG, Baylor College of Medicine); PubMed 9843204 (cited by OMIM); PubMed 10746561 (cited by OMIM).

NM_003172.4(SURF1):c.312_321delinsAT (p.Pro104_Leu105insTer)

Gene: SURF1 (SURF1 cytochrome c oxidase assembly factor; minus strand). Cytogenetic location: 9q34.2.
Variant type: Indel.
Coding change: c.312_321delinsAT on transcript NM_003172.4 (MANE Select); coding-DNA positions 312 to 321, TCTGCCAGCC replaced by AT.
Protein change: p.Pro104_Leu105insTer.
Molecular consequence: frameshift variant. On other transcripts: 5 prime UTR variant (1).
Genome position (GRCh38, 1-based): chr9:133,354,661-133,354,670, GGCTGGCAGA replaced by AT on the plus strand (TCTGCCAGCC replaced by AT on the coding strand, the reverse complement: SURF1 is on the minus strand). VCF-style: chr9-133354661-GGCTGGCAGA-AT. GRCh37 (hg19) VCF-style: chr9-136221516-GGCTGGCAGA-AT.
Other names: p.Leu105*; c.312_321delTCTGCCAGCCinsAT (NM_003172.4); c.-16_-7delinsAT (NM_001280787.1).
Identifiers: ClinVar variation 215237 (VCV000215237.44), dbSNP rs863224228, ClinGen allele CA321457.
Genomic context (GRCh38, chr9:133,354,661, plus strand): 5'-AGGGCTCTGCTGTTGAACTCAAGTAAAACAGGCCCTAGGGGGGCAGCCATGCACTCACTC[GGCTGGCAGA>AT]GGGACAGGCTCAGCCAGAACTCTGGACTCCAACTCTGCAATCAGGTTCAGCTTCCACTTC-3'